The following is an entry in ClinVar:

NM_000593.6(TAP1):c.2062A>G (p.Ser688Gly)

Genes: PSMB8-AS1 (PSMB8 antisense RNA 1; plus strand), TAP1 (transporter 1, ATP binding cassette subfamily B member; minus strand). Cytogenetic location: 6p21.32.
Variant type: single nucleotide variant.
Coding change: c.2062A>G on transcript NM_000593.6 (MANE Select); coding-DNA position 2062, A replaced by G.
Protein change: p.Ser688Gly; replaces serine 688 with glycine.
Molecular consequence: missense variant. On other transcripts: non-coding transcript variant (4).
Genome position (GRCh38, 1-based): chr6:32,845,764, T>C on the plus strand (A>G on the coding strand, the complement: TAP1 is on the minus strand). VCF-style: chr6-32845764-T-C. GRCh37 (hg19) VCF-style: chr6-32813541-T-C.
Other names: c.1459A>G, p.Ser487Gly (NM_001292022.2); short protein forms S487G, S688G.
Identifiers: ClinVar variation 1056023 (VCV001056023.8), dbSNP rs2127384196, ClinGen allele CA363590613.
Genomic context (GRCh38, chr6:32,845,764, plus strand): 5'-GCTCCACCAGGCTGAGGTGCTGGGTGATGAGAAGCACTGAGCGGGAGTACCGCTCAGGGC[T>C]TTCGTACAGGAGCTGCTCCACCTGAGGAAAGACATCGGACCGTCAGAGCCGGGGACTACC-3'
Protein context (NP_000584.3, residues 678-698): QLQVEQLLYE[Ser688Gly]PERYSRSVLL

ClinVar aggregate classification (germline): Uncertain significance (1 of 4 stars; one submission).

Conditions:
MHC class I deficiency. Identifiers: Orphanet 34592, MedGen C6024714, MONDO:0011476.

Submission:

Labcorp Genetics (formerly Invitae), Labcorp
Classification: Uncertain significance for MHC class I deficiency 1. Last evaluated: 2020-09-17. Review status: criteria provided, single submitter. Criteria: Invitae Variant Classification Sherloc (09022015). Collection method: clinical testing. Allele origin: germline.
Comment: This sequence change replaces serine with glycine at codon 748 of the TAP1 protein (p.Ser748Gly). The serine residue is moderately conserved and there is a small physicochemical difference between serine and glycine. This variant is not present in population databases (ExAC no frequency). In summary, the available evidence is currently insufficient to determine the role of this variant in disease. Therefore, it has been classified as a Variant of Uncertain Significance. Algorithms developed to predict the effect of missense changes on protein structure and function are either unavailable or do not agree on the potential impact of this missense change (SIFT: "Tolerated"; PolyPhen-2: "Benign"; Align-GVGD: "Class C0"). This variant has not been reported in the literature in individuals with TAP1-related conditions.